The following is an entry in ClinVar:

ClinVar aggregate classification (germline): Benign (1 of 4 stars; one submission).

Allele frequency attached by ClinVar (database versions not stated): TOPMed 0.52708; 1000 Genomes Project 30x 0.51515; 1000 Genomes Project 0.51897.

Submission:

GeneDx
Classification: Benign. Last evaluated: 2018-06-18. Review status: criteria provided, single submitter. Criteria: GeneDx Variant Classification (06012015). Collection method: clinical testing. Allele origin: germline. Affected: yes.
Comment: This variant is considered likely benign or benign based on one or more of the following criteria: it is a conservative change, it occurs at a poorly conserved position in the protein, it is predicted to be benign by multiple in silico algorithms, and/or has population frequency not consistent with disease.

NM_006329.4(FBLN5):c.620-306G>C

Gene: FBLN5 (fibulin 5; minus strand). Cytogenetic location: 14q32.12.
Variant type: single nucleotide variant.
Coding change: c.620-306G>C on transcript NM_006329.4 (MANE Select); 306 bases into the intron before coding-DNA position 620, G replaced by C.
Molecular consequence: intron variant.
Genome position (GRCh38, 1-based): chr14:91,887,618, C>G on the plus strand (G>C on the coding strand, the complement: FBLN5 is on the minus strand). VCF-style: chr14-91887618-C-G. GRCh37 (hg19) VCF-style: chr14-92353962-C-G.
Other names: c.620-306G>C (NM_001384160.1); c.743-306G>C (NM_001384158.1); c.452-306G>C (NM_001384162.1, NM_001384161.1); c.671-306G>C (NM_001384159.1).
Identifiers: ClinVar variation 683519 (VCV000683519.1), dbSNP rs1006856, ClinGen allele CA13946700.
Genomic context (GRCh38, chr14:91,887,618, plus strand): 5'-TACACATGATATAAACATATACACATATACACCTGCTGGTAAGTCTATGCTCCAACGCAC[C>G]CCCCCAACCAGGAATTTCCAGGCAATACCTGCTCCTTCCATCACCGGTTGCATTCCATCA-3'